The following is an entry in ClinVar:

ClinVar aggregate classification (germline): Conflicting classifications of pathogenicity. Review status: criteria provided, conflicting classifications (1 of 4 stars). 7 submissions from 7 submitters: Uncertain significance (5); Likely benign (2). Last evaluated 2025-08-27.

Conditions:
Brittle cornea syndrome 1 (BCS1). Also called: DYSGENESIS MESODERMALIS CORNEAE ET SCLERAE; CORNEAL FRAGILITY, KERATOGLOBUS, BLUE SCLERAE, JOINT HYPEREXTENSIBILITY; EDS6B; FRAGILITAS OCULI WITH JOINT HYPEREXTENSIBILITY; Corneal fragility keratoglobus, blue sclerae AND joint hypermobility. Identifiers: Orphanet 90354, MedGen C0268344, MONDO:0024543, OMIM 229200.
Cardiovascular phenotype. Identifiers: MedGen CN230736.

Allele frequency attached by ClinVar (database versions not stated): gnomAD 0.00032; 1000 Genomes Project 0.00040; TOPMed 0.00042; 1000 Genomes Project 30x 0.00047; ESP Exome Variant Server 0.00088.
gnomAD v4.1: 834 of 1,550,380 alleles (0.054%); highest among the groups gnomAD compares: Non-Finnish European, 0.068%; 1 homozygote.

Submissions (7):

Women's Health and Genetics/Laboratory Corporation of America, LabCorp
Classification: Uncertain significance. Last evaluated: 2025-08-27. Review status: criteria provided, single submitter. Criteria: LabCorp Variant Classification Summary - May 2015. Collection method: clinical testing. Allele origin: germline.
Comment: Variant summary: ZNF469 c.7265C>A (p.Ser2422Tyr) results in a non-conservative amino acid change in the encoded protein sequence. Algorithms developed to predict the effect of missense changes on protein structure and function are either unavailable or do not agree on the potential impact of this missense change. The variant allele was found at a frequency of 0.00031 in 153754 control chromosomes (gmomAD). This frequency is not significantly higher than estimated for disease-causing variants in ZNF469, allowing no conclusion about variant significance. To our knowledge, no occurrence of c.7265C>A in individuals affected with ZNF469-related conditions and no experimental evidence demonstrating its impact on protein function have been reported. ClinVar contains an entry for this variant (Variation ID: 320970). Based on the evidence outlined above, the variant was classified as uncertain significance.

GeneDx
Classification: Uncertain significance. Last evaluated: 2024-10-28. Review status: criteria provided, single submitter. Criteria: GeneDx Variant Classification Process June 2021. Collection method: clinical testing. Allele origin: germline. Affected: yes.
Comment: Has not been previously published as pathogenic or benign to our knowledge; In silico analysis indicates that this missense variant does not alter protein structure/function

Mayo Clinic Laboratories, Mayo Clinic
Classification: Likely benign. Last evaluated: 2024-10-22. Review status: criteria provided, single submitter. Criteria: ACMG Guidelines, 2015. Collection method: clinical testing. Allele origin: germline. Observed: 7 variant alleles.
Comment: BS1, BP4

Blueprint Genetics
Classification: Uncertain significance. Last evaluated: 2024-09-19. Review status: criteria provided, single submitter. Criteria: ACMG Guidelines, 2015. Collection method: clinical testing. Allele origin: germline.

Labcorp Genetics (formerly Invitae), Labcorp
Classification: Uncertain significance. Last evaluated: 2022-08-22. Review status: criteria provided, single submitter. Criteria: Invitae Variant Classification Sherloc (09022015). Collection method: clinical testing. Allele origin: germline.
Comment: This sequence change replaces serine, which is neutral and polar, with tyrosine, which is neutral and polar, at codon 2394 of the ZNF469 protein (p.Ser2394Tyr). This variant is present in population databases (rs201540905, gnomAD 0.06%). This variant has not been reported in the literature in individuals affected with ZNF469-related conditions. ClinVar contains an entry for this variant (Variation ID: 320970). Algorithms developed to predict the effect of missense changes on protein structure and function are either unavailable or do not agree on the potential impact of this missense change (SIFT: "Tolerated"; PolyPhen-2: "Probably Damaging"; Align-GVGD: "Class C0"). In summary, the available evidence is currently insufficient to determine the role of this variant in disease. Therefore, it has been classified as a Variant of Uncertain Significance.

Ambry Genetics
Classification: Likely benign for Cardiovascular phenotype. Last evaluated: 2022-02-18. Review status: criteria provided, single submitter. Criteria: Ambry Variant Classification Scheme 2023. Collection method: clinical testing. Allele origin: germline.

Fulgent Genetics
Classification: Uncertain significance for Brittle cornea syndrome 1. Last evaluated: 2021-07-21. Review status: criteria provided, single submitter. Criteria: ACMG Guidelines, 2015. Collection method: clinical testing. Allele origin: unknown.

NM_001367624.2(ZNF469):c.7265C>A (p.Ser2422Tyr)

Gene: ZNF469 (zinc finger protein 469; plus strand). Cytogenetic location: 16q24.2.
Variant type: single nucleotide variant.
Coding change: c.7265C>A on transcript NM_001367624.2 (MANE Select); coding-DNA position 7265, C replaced by A.
Protein change: p.Ser2422Tyr; replaces serine 2422 with tyrosine.
Molecular consequence: missense variant.
Genome position (GRCh38, 1-based): chr16:88,434,735, C>A. VCF-style: chr16-88434735-C-A. GRCh37 (hg19) VCF-style: chr16-88501143-C-A.
Other names: NM_001127464.1:c.7181C>A; p.Ser2422Tyr; short protein forms S2422Y.
Identifiers: ClinVar variation 320970 (VCV000320970.20), dbSNP rs201540905, ClinGen allele CA8225226.